The following is an entry in ClinVar:

ClinVar aggregate classification (germline): Conflicting classifications of pathogenicity. Review status: criteria provided, conflicting classifications (1 of 4 stars). 4 submissions from 4 submitters: Likely pathogenic (2); Uncertain significance (2). Last evaluated 2024-10-08.

Conditions:
Mitochondrial hypertrophic cardiomyopathy with lactic acidosis due to MTO1 deficiency. Also called: Combined oxidative phosphorylation deficiency 10; CARDIOMYOPATHY, INFANTILE HYPERTROPHIC MITOCHONDRIAL, AND LACTIC ACIDOSIS. Identifiers: Orphanet 314637, MedGen C4749921, MONDO:0013865, OMIM 614702.
Inborn genetic diseases. Identifiers: MedGen C0950123, MeSH D030342.

gnomAD v4.1: 4 of 1,614,128 alleles (0.00025%); highest among the groups gnomAD compares: Admixed American, 0.0033%; no homozygotes.

Submissions (4):

Ambry Genetics
Classification: Uncertain significance for Inborn genetic diseases. Last evaluated: 2024-10-08. Review status: criteria provided, single submitter. Criteria: Ambry Variant Classification Scheme 2023. Collection method: clinical testing. Allele origin: germline.

Baylor Genetics
Classification: Uncertain significance for Mitochondrial hypertrophic cardiomyopathy with lactic acidosis due to MTO1 deficiency. Last evaluated: 2020-06-10. Review status: criteria provided, single submitter. Criteria: ACMG Guidelines, 2015. Collection method: clinical testing. Allele origin: unknown. Affected: yes.
Comment: This variant was determined to be of uncertain significance according to ACMG Guidelines, 2015 [PMID:25741868].

GeneDx
Classification: Likely pathogenic. Last evaluated: 2014-05-06. Review status: criteria provided, single submitter. Criteria: GeneDx Variant Classification (06012015). Collection method: clinical testing. Allele origin: germline. Affected: yes.
Comment: A R464L variant that is likely pathogenic was identified in the MTO1 gene. It has not been published as a pathogenic variant, nor has it been reported as a benign polymorphism to our knowledge. The R464L variant is a non-conservative amino acid substitution, which is likely to impact secondary protein structure as these residues differ in polarity, charge, size and/or other properties. This substitution occurs at a position that is highly conserved across species. In silico analysis predicts this variant is probably damaging to the protein structure/function. Therefore, this is a strong candidate for a pathogenic variant, however the possibility that it is a benign variant cannot be excluded.

Rady Children's Institute for Genomic Medicine, Rady Children's Hospital San Diego
Classification: Likely pathogenic for COMBINED OXIDATIVE PHOSPHORYLATION DEFICIENCY 10. Review status: criteria provided, single submitter. Criteria: ACMG Guidelines, 2015. Collection method: clinical testing. Allele origin: germline. Affected: yes.
Comment: This variant is also known as c.1391G>T (p.Arg464Leu), based on the alternative transcript, NM_012123.4. This variant has not been previously reported or functionally characterized in the literature to our knowledge. However, a different nucleotide change affecting the same amino acid, c.1510C>T (p.Arg504Cys) (also known in the literature as c.1390C>T p.Arg464Cys), has been previously reported as a homozygous and compound heterozygous change in several individuals affected with combined oxidative phosphorylation deficiency-10 (MIM: # 614702; PMID: 26061759, 27256614, 29331171). It is present in the heterozygous state in the gnomAD population database at a frequency of 0.0007% (2/251488) and thus is presumed to be rare. The c.1511G>T (p.Arg504Leu) variant affects a highly conserved amino acid and is predicted by multiple in silico tools to have a deleterious effect on protein function. Based on the available evidence, the c.1511G>T (p.Arg504Leu) variant is classified as Likely Pathogenic.

NM_012123.4(MTO1):c.1391G>T (p.Arg464Leu)

Gene: MTO1 (mitochondrial tRNA translation optimization 1; plus strand). Cytogenetic location: 6q13.
Variant type: single nucleotide variant.
Coding change: c.1391G>T on transcript NM_012123.4 (MANE Select); coding-DNA position 1391, G replaced by T.
Protein change: p.Arg464Leu; replaces arginine 464 with leucine.
Molecular consequence: missense variant.
Genome position (GRCh38, 1-based): chr6:73,482,170, G>T. VCF-style: chr6-73482170-G-T. GRCh37 (hg19) VCF-style: chr6-74191893-G-T.
Other names: c.1511G>T, p.Arg504Leu (NM_001123226.2); c.1466G>T, p.Arg489Leu (NM_133645.3); short protein forms R489L, R464L, R504L.
Identifiers: ClinVar variation 70512 (VCV000070512.5), dbSNP rs141970072, ClinGen allele CA16616764.